The following is an entry in ClinVar:

ClinVar aggregate classification (germline): Uncertain significance (1 of 4 stars; one submission).

Conditions:
TMEM165-congenital disorder of glycosylation. Also called: Congenital disorder of glycosylation type 2k; TMEM165-CDG; CDG IIk. Identifiers: Orphanet 314667, MedGen C3553571, MONDO:0013870, OMIM 614727.

Submission:

Labcorp Genetics (formerly Invitae), Labcorp
Classification: Uncertain significance for TMEM165-congenital disorder of glycosylation. Last evaluated: 2021-12-18. Review status: criteria provided, single submitter. Criteria: Invitae Variant Classification Sherloc (09022015). Collection method: clinical testing. Allele origin: germline.
Comment: This variant, c.733_738del, results in the deletion of 2 amino acid(s) of the TMEM165 protein (p.Phe245_Leu246del), but otherwise preserves the integrity of the reading frame. This variant is not present in population databases (gnomAD no frequency). In summary, the available evidence is currently insufficient to determine the role of this variant in disease. Therefore, it has been classified as a Variant of Uncertain Significance. Algorithms developed to predict the effect of sequence changes on RNA splicing suggest that this variant may create or strengthen a splice site. Experimental studies and prediction algorithms are not available or were not evaluated, and the functional significance of this variant is currently unknown. This variant has not been reported in the literature in individuals affected with TMEM165-related conditions.

NM_018475.5(TMEM165):c.733_738del (p.Phe245_Leu246del)

Gene: TMEM165 (transmembrane protein 165; plus strand). Cytogenetic location: 4q12.
Variant type: Deletion.
Coding change: c.733_738del on transcript NM_018475.5 (MANE Select); coding-DNA positions 733 to 738, 6 bases deleted (TTCTTA; older notation c.733_738delTTCTTA).
Protein change: p.Phe245_Leu246del.
Molecular consequence: inframe deletion. On other transcripts: non-coding transcript variant (1).
Genome position (GRCh38, 1-based): chr4:55,417,926-55,417,931, TTCTTA deleted; deleting any 6 consecutive bases within chr4:55,417,925-55,417,931 gives the same sequence; the c. name uses the placement nearest the transcript's 3' end. VCF-style (leftmost placement, unchanged base first): chr4-55417924-CATTCTT-C. GRCh37 (hg19) VCF-style: chr4-56284091-CATTCTT-C.
Identifiers: ClinVar variation 2046570 (VCV002046570.4), dbSNP rs2545501539, ClinGen allele CA2580071176.